The following is an entry in ClinVar:

ClinVar aggregate classification (germline): Pathogenic/Likely pathogenic. Review status: criteria provided, multiple submitters, no conflicts (2 of 4 stars). 6 submissions from 5 submitters: Pathogenic (2); Likely pathogenic (1). 3 of the submissions do not count toward it. Last evaluated 2025-10-20.

Conditions:
DYNC2LI1-related disorder. Also called: DYNC2LI1-related condition.
Short-rib thoracic dysplasia 15 with polydactyly (SRTD15). Identifiers: MedGen C4310724, MONDO:0014907, OMIM 617088.
Asphyxiating thoracic dystrophy 1 (SRTD1). Also called: SHORT-RIB THORACIC DYSPLASIA 1 WITH OR WITHOUT POLYDACTYLY. Identifiers: Orphanet 474, MedGen C4551856, MONDO:0008831, OMIM 208500.

Allele frequency attached by ClinVar (database versions not stated): gnomAD exomes 0.00002; ExAC 0.00003; gnomAD 0.00005; TOPMed 0.00006; 1000 Genomes Project 30x 0.00016; ESP Exome Variant Server 0.00023.
gnomAD v4.1: 106 of 1,613,276 alleles (0.0066%); highest among the groups gnomAD compares: Non-Finnish European, 0.0086%; no homozygotes.

Submissions (6):

Women's Health and Genetics/Laboratory Corporation of America, LabCorp
Classification: Likely pathogenic for Short-rib thoracic dysplasia 15 with polydactyly. Last evaluated: 2025-10-20. Review status: criteria provided, single submitter. Criteria: LabCorp Variant Classification Summary - May 2015. Collection method: clinical testing. Allele origin: germline.
Comment: Variant summary: DYNC2LI1 c.349C>G (p.Leu117Val) results in a conservative amino acid change in the encoded protein sequence. Algorithms developed to predict the effect of missense changes on protein structure and function are either unavailable or do not agree on the potential impact of this missense change. The variant allele was found at a frequency of 2.4e-05 in 250730 control chromosomes. c.349C>G has been observed in at-least three individuals affected with Short-Rib Thoracic Dysplasia 15 With Polydactyly (example, Taylor_2015, Bryson_2020). These data indicate that the variant may be associated with disease. At least one publication reports experimental evidence evaluating an impact on protein function. The most pronounced variant effect results in significantly reduced DYNC2LI1 levels and compromised normal activity, when coexpressed with deletion/null variants (Taylor_2015, Qiu_2022). The following publications have been ascertained in the context of this evaluation (PMID: 32815859, 34997029, 26077881). ClinVar contains an entry for this variant (Variation ID: 212765). Based on the evidence outlined above, the variant was classified as likely pathogenic.

Labcorp Genetics (formerly Invitae), Labcorp
Classification: Pathogenic. Last evaluated: 2025-09-01. Review status: criteria provided, single submitter. Criteria: Invitae Variant Classification Sherloc (09022015). Collection method: clinical testing. Allele origin: germline.
Comment: This sequence change replaces leucine, which is neutral and non-polar, with valine, which is neutral and non-polar, at codon 117 of the DYNC2LI1 protein (p.Leu117Val). This variant is present in population databases (rs201948500, gnomAD 0.01%). This missense change has been observed in individual(s) with short-rib thoracic dysplasia (PMID: 26077881, 32815859). In at least one individual the data is consistent with being in trans (on the opposite chromosome) from a pathogenic variant. ClinVar contains an entry for this variant (Variation ID: 212765). An algorithm developed to predict the effect of missense changes on protein structure and function (PolyPhen-2) suggests that this variant is likely to be disruptive. For these reasons, this variant has been classified as Pathogenic.

Blueprint Genetics
Classification: Pathogenic for DYNC2LI1-related disorders. Last evaluated: 2024-08-22. Review status: criteria provided, single submitter. Criteria: ACMG Guidelines, 2015. Collection method: clinical testing. Allele origin: germline. Affected: yes. Observed: 4 variant alleles.

OMIM
Classification: Pathogenic for SHORT-RIB THORACIC DYSPLASIA 15 WITH POLYDACTYLY. Last evaluated: 2015-06-16. Review status: no assertion criteria provided. Collection method: literature only. Allele origin: germline. Not counted in ClinVar's aggregate classification.

David Geffen School of Medicine, University of California, Los Angeles
Classification: Pathogenic for Short-rib thoracic dysplasia. Review status: no assertion criteria provided. Collection method: research. Allele origin: maternal. Affected: yes. Not counted in ClinVar's aggregate classification.

David Geffen School of Medicine, University of California, Los Angeles
Classification: Pathogenic for Short-rib thoracic dysplasia. Review status: flagged submission. Collection method: research. Allele origin: paternal. Affected: yes. Not counted in ClinVar's aggregate classification.
ClinVar note: Reason: This record appears to be redundant with a more recent record from the same submitter.
ClinVar note: Notes: SCV000212253 appears to be redundant with SCV000212252.

Literature cited by the submitters: PubMed 32815859 (cited by 3 submitters); PubMed 34997029 (cited by Women's Health and Genetics/Laboratory Corporation of America, LabCorp); PubMed 26077881 (cited by 4 submitters).

NM_016008.4(DYNC2LI1):c.349C>G (p.Leu117Val)

Gene: DYNC2LI1 (dynein cytoplasmic 2 light intermediate chain 1; plus strand). Cytogenetic location: 2p21.
Variant type: single nucleotide variant.
Coding change: c.349C>G on transcript NM_016008.4 (MANE Select); coding-DNA position 349, C replaced by G.
Protein change: p.Leu117Val; replaces leucine 117 with valine.
Molecular consequence: missense variant.
Genome position (GRCh38, 1-based): chr2:43,794,485, C>G. VCF-style: chr2-43794485-C-G. GRCh37 (hg19) VCF-style: chr2-44021624-C-G.
Other names: DYNC2LI1, LEU117VAL (rs201948500); c.349C>G, p.Leu117Val (NM_001193464.2, NM_001348912.2, NM_001348913.2 and 1 more transcripts); short protein forms L117V.
Identifiers: ClinVar variation 212765 (VCV000212765.9), dbSNP rs201948500, ClinGen allele CA1635816.